The following is an entry in ClinVar:

NM_001830.4(CLCN4):c.755G>A (p.Arg252Lys)

Gene: CLCN4 (chloride voltage-gated channel 4; plus strand). Cytogenetic location: Xp22.2.
Variant type: single nucleotide variant.
Coding change: c.755G>A on transcript NM_001830.4 (MANE Select); coding-DNA position 755, G replaced by A.
Protein change: p.Arg252Lys; replaces arginine 252 with lysine.
Molecular consequence: missense variant.
Genome position (GRCh38, 1-based): chrX:10,206,557, G>A. VCF-style: chrX-10206557-G-A. GRCh37 (hg19) VCF-style: chrX-10174597-G-A.
Other names: c.473G>A, p.Arg158Lys (NM_001256944.2); short protein forms R158K, R252K.
Identifiers: ClinVar variation 2709764 (VCV002709764.3), dbSNP rs2518884353, ClinGen allele CA412037051.
Genomic context (GRCh38, chrX:10,206,557, plus strand): 5'-GTTGCTGTGGCAACTTCTTCAGCAGCCTTTTCTCCAAGTACAGCAAGAATGAGGGCAAGA[G>A]GCGGGAGGTGAGCCAGCTCAGCTTCCATCTGCAGCGAAACTTTCTTCTCAAAGCCCCCTC-3'
Protein context (NP_001821.2, residues 242-262): FSKYSKNEGK[Arg252Lys]REVLSAAAAA

ClinVar aggregate classification (germline): Uncertain significance (1 of 4 stars; one submission).

Submission:

Labcorp Genetics (formerly Invitae), Labcorp
Classification: Uncertain significance. Last evaluated: 2024-01-17. Review status: criteria provided, single submitter. Criteria: Invitae Variant Classification Sherloc (09022015). Collection method: clinical testing. Allele origin: germline.
Comment: This sequence change replaces arginine, which is basic and polar, with lysine, which is basic and polar, at codon 252 of the CLCN4 protein (p.Arg252Lys). This variant is not present in population databases (gnomAD no frequency). This variant has not been reported in the literature in individuals affected with CLCN4-related conditions. Advanced modeling of protein sequence and biophysical properties (such as structural, functional, and spatial information, amino acid conservation, physicochemical variation, residue mobility, and thermodynamic stability) performed at Invitae indicates that this missense variant is not expected to disrupt CLCN4 protein function with a negative predictive value of 95%. In summary, the available evidence is currently insufficient to determine the role of this variant in disease. Therefore, it has been classified as a Variant of Uncertain Significance.